The following is an entry in ClinVar:

NM_001040142.2(SCN2A):c.4322C>G (p.Pro1441Arg)

Gene: SCN2A (sodium voltage-gated channel alpha subunit 2; plus strand). Cytogenetic location: 2q24.3.
Variant type: single nucleotide variant.
Coding change: c.4322C>G on transcript NM_001040142.2 (MANE Select); coding-DNA position 4322, C replaced by G.
Protein change: p.Pro1441Arg; replaces proline 1441 with arginine.
Molecular consequence: missense variant.
Genome position (GRCh38, 1-based): chr2:165,380,605, C>G. VCF-style: chr2-165380605-C-G. GRCh37 (hg19) VCF-style: chr2-166237115-C-G.
Other names: c.4322C>G, p.Pro1441Arg (NM_001040143.2, NM_001371246.1, NM_001371247.1 and 1 more transcripts); short protein forms P1441R.
Identifiers: ClinVar variation 3027168 (VCV003027168.22), dbSNP rs2468126319, ClinGen allele CA349033634.

ClinVar aggregate classification (germline): Uncertain significance (1 of 4 stars; one submission).

Submission:

CeGaT Center for Human Genetics Tuebingen
Classification: Uncertain significance. Last evaluated: 2024-02-01. Review status: criteria provided, single submitter. Criteria: CeGaT Center For Human Genetics Tuebingen Variant Classification Criteria Version 2. Collection method: clinical testing. Allele origin: germline. Affected: yes. Observed: 1 variant allele.
Comment: SCN2A: PM2, PP3